The following is an entry in ClinVar:

NM_001013838.3(CARMIL2):c.1309G>C (p.Ala437Pro)

Gene: CARMIL2 (capping protein regulator and myosin 1 linker 2; plus strand). Cytogenetic location: 16q22.1.
Variant type: single nucleotide variant.
Coding change: c.1309G>C on transcript NM_001013838.3 (MANE Select); coding-DNA position 1309, G replaced by C.
Protein change: p.Ala437Pro; replaces alanine 437 with proline.
Molecular consequence: missense variant.
Genome position (GRCh38, 1-based): chr16:67,648,289, G>C. VCF-style: chr16-67648289-G-C. GRCh37 (hg19) VCF-style: chr16-67682192-G-C.
Other names: c.1201G>C, p.Ala401Pro (NM_001317026.3); short protein forms A401P, A437P.
Identifiers: ClinVar variation 3654692 (VCV003654692.2).
Genomic context (GRCh38, chr16:67,648,289, plus strand): 5'-CCCCCGCAGCTCTTCGCAGCGGTATCCCGAGGCTGCTGCACCAGCCTTACCCACCTCGAC[G>C]CTTCGAGGAACGTCTTCTCCCGCACGTAAGGGGGACCTGTCGGGGCCGGGGGAGGCTGCT-3'
Protein context (NP_001013860.1, residues 427-447): GCCTSLTHLD[Ala437Pro]SRNVFSRTKS

ClinVar aggregate classification (germline): Uncertain significance (1 of 4 stars; one submission).

Submission:

Labcorp Genetics (formerly Invitae), Labcorp
Classification: Uncertain significance. Last evaluated: 2024-05-26. Review status: criteria provided, single submitter. Criteria: Invitae Variant Classification Sherloc (09022015). Collection method: clinical testing. Allele origin: germline.
Comment: This sequence change replaces alanine, which is neutral and non-polar, with proline, which is neutral and non-polar, at codon 437 of the CARMIL2 protein (p.Ala437Pro). This variant is not present in population databases (gnomAD no frequency). This variant has not been reported in the literature in individuals affected with CARMIL2-related conditions. Advanced modeling of protein sequence and biophysical properties (such as structural, functional, and spatial information, amino acid conservation, physicochemical variation, residue mobility, and thermodynamic stability) performed at Invitae indicates that this missense variant is not expected to disrupt CARMIL2 protein function with a negative predictive value of 80%. In summary, the available evidence is currently insufficient to determine the role of this variant in disease. Therefore, it has been classified as a Variant of Uncertain Significance.